The following is an entry in ClinVar:

NM_001290003.1(THPO):c.98C>T (p.Pro33Leu)

Gene: THPO (thrombopoietin; minus strand). Cytogenetic location: 3q27.1.
Variant type: single nucleotide variant.
Coding change: c.98C>T on transcript NM_001290003.1; coding-DNA position 98, C replaced by T.
Protein change: p.Pro33Leu; replaces proline 33 with leucine.
Molecular consequence: missense variant. On other transcripts: 5 prime UTR variant (4), intron variant (1), genic upstream transcript variant (1).
Genome position (GRCh38, 1-based): chr3:184,378,252, G>A on the plus strand (C>T on the coding strand, the complement: THPO is on the minus strand). VCF-style: chr3-184378252-G-A. GRCh37 (hg19) VCF-style: chr3-184096040-G-A.
Other names: -323C-T (rs1208732776); c.-323C>T (NM_001289998.1, NM_001290022.1, NM_001290026.1 and 2 more transcripts); c.-146+1339C>T (NM_001290028.1); short protein forms P33L.
Identifiers: ClinVar variation 801004 (VCV000801004.6), dbSNP rs1208732776, ClinGen allele CA903711528.
Genomic context (GRCh38, chr3:184,378,252, plus strand): 5'-TGCCTGGGCCACTTCTGCCCAATCAGAGAAGGGAGCCACCAGACACTGGTGAAGGCCCCC[G>A]GAAGTGACGCCTTCTCTTCCCTGGAGCCCCTGCCTGGACCAGGGTCCACTCCTCCACCCA-3'

ClinVar aggregate classification (germline): Uncertain significance. Review status: criteria provided, multiple submitters, no conflicts (2 of 4 stars). 4 submissions from 4 submitters: Uncertain significance (2). 2 of the submissions do not count toward it. Last evaluated 2025-03-20.

Conditions:
Amegakaryocytic thrombocytopenia, congenital, 2 (CAMT2). Identifiers: MedGen C5882679, MONDO:0957575, OMIM 620481.
Thrombocythemia 1 (THCYT1). Also called: THROMBOCYTOSIS 1; THROMBOCYTHEMIA, SOMATIC. Identifiers: MedGen C3277671, MONDO:0008554, OMIM 187950.

Allele frequency attached by ClinVar (database versions not stated): gnomAD 0.00001; TOPMed 0.00001.
gnomAD v4.1: 4 of 985,390 alleles (0.00041%); highest among the groups gnomAD compares: South Asian, 0.0047%; no homozygotes.

Submissions (4):

GeneDx
Classification: Uncertain significance. Last evaluated: 2025-03-20. Review status: criteria provided, single submitter. Criteria: GeneDx Variant Classification Process June 2021. Collection method: clinical testing. Allele origin: germline. Affected: yes.
Comment: Published functional studies suggest that this variant impacts the level of regulation of transcription; however additional studies are needed to validate the functional effect of this variant in vivo (PMID: 36226497); Located in a regulatory region; in the absence of additional functional studies, the actual effect of this sequence change is unknown; No data available from control populations to assess the frequency of this variant; This variant is associated with the following publications: (PMID: 36226496, 39479124, 36226497)

Blueprint Genetics
Classification: Uncertain significance. Last evaluated: 2022-11-01. Review status: criteria provided, single submitter. Criteria: ACMG Guidelines, 2015. Collection method: clinical testing. Allele origin: germline.

OMIM
Classification: Pathogenic for AMEGAKARYOCYTIC THROMBOCYTOPENIA, CONGENITAL, 2. Last evaluated: 2023-08-28. Review status: no assertion criteria provided. Collection method: literature only. Allele origin: germline. Not counted in ClinVar's aggregate classification.

Biochemical Molecular Genetic Laboratory, King Abdulaziz Medical City
Classification: Uncertain significance for Thrombocythemia 1. Last evaluated: 2019-09-26. Review status: no assertion criteria provided. Collection method: clinical testing. Allele origin: germline. Affected: yes. Not counted in ClinVar's aggregate classification.

Literature cited by the submitters: PubMed 36226497 (cited by OMIM).